The following is an entry in ClinVar:

NM_000051.4(ATM):c.6158del (p.Thr2053fs)

Genes: ATM (ATM serine/threonine kinase; plus strand), C11orf65 (chromosome 11 open reading frame 65; minus strand). Cytogenetic location: 11q22.3.
Variant type: Deletion.
Coding change: c.6158del on transcript NM_000051.4 (MANE Select); coding-DNA position 6158, one base deleted (C; older notation c.6158delC).
Protein change: p.Thr2053fs; shifts the reading frame from threonine 2053.
Molecular consequence: frameshift variant. On other transcripts: intron variant (2).
Genome position (GRCh38, 1-based): chr11:108,316,073, C deleted. VCF-style (leftmost placement, unchanged base first): chr11-108316072-AC-A. GRCh37 (hg19) VCF-style: chr11-108186799-AC-A.
Other names: c.6158del, p.Thr2053fs (NM_001351834.2); c.641-7002del (NM_001330368.2); c.*39-7002del (NM_001351110.2); short protein forms T2053fs.
Identifiers: ClinVar variation 2764788 (VCV002764788.4), dbSNP rs2547095899, ClinGen allele CA2697558924.

ClinVar aggregate classification (germline): Pathogenic. Review status: criteria provided, multiple submitters, no conflicts (2 of 4 stars). 2 submissions from 2 submitters: Pathogenic (2). Last evaluated 2024-01-29.

Conditions:
Ataxia-telangiectasia syndrome (AT). Also called: LOUIS-BAR SYNDROME; Cerebello-oculocutaneous telangiectasia; Immunodeficiency with ataxia telangiectasia; Ataxia telangiectasia (A-T); Ataxia-telangiectasia, complementation group D; AT, COMPLEMENTATION GROUP C. Identifiers: Orphanet 100, MedGen C0004135, MONDO:0008840, OMIM 208900.
Familial cancer of breast. Also called: BREAST CANCER, FAMILIAL; Hereditary breast cancer; hereditary breast carcinoma. Identifiers: Orphanet 227535, MedGen C0346153, MONDO:0016419, OMIM 114480. Disease mechanism: loss of function.

Submissions (2):

Myriad Genetics, Inc.
Classification: Pathogenic for Familial cancer of breast. Last evaluated: 2024-01-29. Review status: criteria provided, single submitter. Criteria: Myriad Autosomal Dominant, Autosomal Recessive and X-Linked Classification Criteria (2023). Collection method: clinical testing. Allele origin: unknown.
Comment: This variant is considered pathogenic. This variant creates a frameshift predicted to result in premature protein truncation.

Labcorp Genetics (formerly Invitae), Labcorp
Classification: Pathogenic for Ataxia-telangiectasia syndrome. Last evaluated: 2023-09-30. Review status: criteria provided, single submitter. Criteria: Invitae Variant Classification Sherloc (09022015). Collection method: clinical testing. Allele origin: germline.
Comment: This variant has not been reported in the literature in individuals affected with ATM-related conditions. For these reasons, this variant has been classified as Pathogenic. This variant is not present in population databases (gnomAD no frequency). This sequence change creates a premature translational stop signal (p.Thr2053Lysfs*29) in the ATM gene. It is expected to result in an absent or disrupted protein product. Loss-of-function variants in ATM are known to be pathogenic (PMID: 23807571, 25614872).

Literature cited by the submitters: PubMed 23807571 (cited by Labcorp Genetics (formerly Invitae), Labcorp); PubMed 25614872 (cited by Labcorp Genetics (formerly Invitae), Labcorp).